The following is an entry in ClinVar:

NC_000023.10:g.(?_18925998)_(18929098_?)del

Gene: PHKA2 (phosphorylase kinase regulatory subunit alpha 2; minus strand). Cytogenetic location: Xp22.13.
Variant type: Deletion.
Identifiers: ClinVar variation 2422823 (VCV002422823.4).

ClinVar aggregate classification (germline): Pathogenic (1 of 4 stars; one submission).

Conditions:
Glycogen storage disease IXa1. Also called: GLYCOGEN STORAGE DISEASE VIII; GSD VIII; Glycogen storage disease 8; LIVER GLYCOGENOSIS, X-LINKED, TYPE I. Identifiers: Orphanet 264580, MedGen C3694531, MONDO:0010598, OMIM 306000.

Submission:

Labcorp Genetics (formerly Invitae), Labcorp
Classification: Pathogenic for Glycogen storage disease IXa1. Last evaluated: 2022-06-26. Review status: criteria provided, single submitter. Criteria: Invitae Variant Classification Sherloc (09022015). Collection method: clinical testing. Allele origin: germline.
Comment: For these reasons, this variant has been classified as Pathogenic. This variant has not been reported in the literature in individuals affected with PHKA2-related conditions. This variant is a gross deletion of the genomic region encompassing exon(s) 20-22 of the PHKA2 gene. This deletion is out-of-frame, and is expected to create a premature termination codon and result in an absent or disrupted protein product. Loss-of-function variants in PHKA2 are known to be pathogenic (PMID: 7711737, 10330341).

Literature cited by the submitters: PubMed 7711737; PubMed 10330341.